The following is an entry in ClinVar:

ClinVar aggregate classification (germline): Benign/Likely benign. Review status: criteria provided, multiple submitters, no conflicts (2 of 4 stars). 3 submissions from 3 submitters: Benign (1); Likely benign (2). Last evaluated 2026-07-01.

Allele frequency attached by ClinVar (database versions not stated): 1000 Genomes Project 0.00020; ESP Exome Variant Server 0.00022; 1000 Genomes Project 30x 0.00031; ExAC 0.00077; gnomAD 0.00114; TOPMed 0.00144; gnomAD exomes 0.00160.
gnomAD v4.1: 2,399 of 1,551,878 alleles (0.15%); highest among the groups gnomAD compares: Non-Finnish European, 0.19%; 2 homozygotes.

Submissions (3):

CeGaT Center for Human Genetics Tuebingen
Classification: Likely benign. Last evaluated: 2026-07-01. Review status: criteria provided, single submitter. Criteria: CeGaT Center For Human Genetics Tuebingen Variant Classification Criteria Version 2. Collection method: clinical testing. Allele origin: germline. Affected: yes. Observed: 4 variant alleles.
Comment: GREB1L: BP4, BP7

Labcorp Genetics (formerly Invitae), Labcorp
Classification: Benign. Last evaluated: 2025-12-02. Review status: criteria provided, single submitter. Criteria: Invitae Variant Classification Sherloc (09022015). Collection method: clinical testing. Allele origin: germline.

Blueprint Genetics
Classification: Likely benign. Last evaluated: 2024-10-23. Review status: criteria provided, single submitter. Criteria: ACMG Guidelines, 2015. Collection method: clinical testing. Allele origin: germline.

NM_001142966.3(GREB1L):c.2799A>G (p.Thr933=)

Gene: GREB1L (GREB1 like retinoic acid receptor coactivator; plus strand). Cytogenetic location: 18q11.1.
Variant type: single nucleotide variant.
Coding change: c.2799A>G on transcript NM_001142966.3 (MANE Select); coding-DNA position 2799, A replaced by G.
Protein change: p.Thr933=; no amino-acid change (threonine 933 retained).
Molecular consequence: synonymous variant.
Genome position (GRCh38, 1-based): chr18:21,490,120, A>G. VCF-style: chr18-21490120-A-G. GRCh37 (hg19) VCF-style: chr18-19070081-A-G.
Other names: c.2928A>G, p.Thr976= (NM_001410867.1); c.2472A>G, p.Thr824= (NM_001410868.1).
Identifiers: ClinVar variation 2062890 (VCV002062890.29), dbSNP rs201325892, ClinGen allele CA8906528.
Genomic context (GRCh38, chr18:21,490,120, plus strand): 5'-GCAGTACTCTGAGGCCCTGATGGCTCTCACCACCATGGCGTCACTCCGCGACCACAGCAC[A>G]CCAGAAACACTCAGCATTATGGATGACCTCATCAGCTCCCCAGGCAAAAACAAAAGTGGG-3'
Protein context (NP_001136438.1, residues 923-943): TTMASLRDHS[Thr933=]PETLSIMDDL